The following is an entry in ClinVar:

ClinVar aggregate classification (germline): Benign/Likely benign. Review status: criteria provided, multiple submitters, no conflicts (2 of 4 stars). 9 submissions from 9 submitters: Benign (3); Likely benign (5). 1 of the submissions does not count toward it. Last evaluated 2026-08-01.

Conditions:
GAA-related disorder. Also called: GAA-related condition.
Primary dilated cardiomyopathy (DCM). Also called: Dilated Cardiomyopathy. Identifiers: Orphanet 217604, MedGen C0007193, MeSH D002311, MONDO:0005021, HP:0001644. Inheritance: Various modes of inheritance.
Glycogen storage disease, type II (IOPD). Also called: Pompe Disease; CARDIOMEGALIA GLYCOGENICA DIFFUSA; Glucosidase acid-1,4-alpha deficiency; POMPE DISEASE, INFANTILE-ONSET; GLYCOGEN STORAGE DISEASE II, INFANTILE-ONSET; ACID ALPHA-GLUCOSIDASE DEFICIENCY, INFANTILE-ONSET. Identifiers: Orphanet 365, MedGen C0017921, MONDO:0009290, OMIM 232300.

Allele frequency attached by ClinVar (database versions not stated): ESP Exome Variant Server 0.00008; TOPMed 0.00014; gnomAD 0.00015 and 0.00033; gnomAD exomes 0.00044 and 0.00099; ExAC 0.00122; 1000 Genomes Project 30x 0.00234; 1000 Genomes Project 0.00260.
gnomAD v4.1: 723 of 1,612,446 alleles (0.045%); highest among the groups gnomAD compares: South Asian, 0.68%; 11 homozygotes.

Submissions (9):

CeGaT Center for Human Genetics Tuebingen
Classification: Likely benign. Last evaluated: 2026-08-01. Review status: criteria provided, single submitter. Criteria: CeGaT Center For Human Genetics Tuebingen Variant Classification Criteria Version 2. Collection method: clinical testing. Allele origin: germline. Affected: yes. Observed: 1 variant allele.
Comment: GAA: BP4, BS2

Genomenon, Inc
Classification: Likely benign for Glycogen storage disease, type II. Last evaluated: 2026-07-01. Review status: criteria provided, single submitter. Criteria: Genomenon Sequence Variant Interpretation Standards - Updated. Collection method: curation. Allele origin: germline. Affected: no.
Comment: GAA p.Gly123Glu (c.368G>A) is a missense variant that changes the amino acid at codon 123 from Glycine to Glutamic acid. This variant has been reported in the published literature (PMID:39161458). This variant’s allele frequency in gnomAD is greater than expected for this disorder. In silico models predict that this variant is not damaging. In conclusion, we classify GAA p.Gly123Glu (c.368G>A) as a likely benign variant.

Labcorp Genetics (formerly Invitae), Labcorp
Classification: Benign for Glycogen storage disease, type II. Last evaluated: 2026-01-31. Review status: criteria provided, single submitter. Criteria: Invitae Variant Classification Sherloc (09022015). Collection method: clinical testing. Allele origin: germline.

Mayo Clinic Laboratories, Mayo Clinic
Classification: Likely benign. Last evaluated: 2024-10-23. Review status: criteria provided, single submitter. Criteria: ACMG Guidelines, 2015. Collection method: clinical testing. Allele origin: germline. Observed: 2 variant alleles.
Comment: BS1, BP4

Women's Health and Genetics/Laboratory Corporation of America, LabCorp
Classification: Benign. Last evaluated: 2020-07-30. Review status: criteria provided, single submitter. Criteria: LabCorp Variant Classification Summary - May 2015. Collection method: clinical testing. Allele origin: germline.
Comment: Variant summary: GAA c.368G>A (p.Gly123Glu) results in a non-conservative amino acid change in the encoded protein sequence. Three of five in-silico tools predict a damaging effect of the variant on protein function. The variant allele was found at a frequency of 0.00099 in 247744 control chromosomes, predominantly at a frequency of 0.0077 within the South Asian subpopulation in the gnomAD database, including 5 homozygotes. The observed variant frequency within South Asian control individuals in the gnomAD database is approximately 2 fold of the estimated maximal expected allele frequency for a pathogenic variant in GAA causing Glycogen Storage Disease, Type 2 (Pompe Disease) phenotype (0.0042), strongly suggesting that the variant is a benign polymorphism found primarily in populations of South Asian origin. To our knowledge, no occurrence of c.368G>A in individuals affected with Glycogen Storage Disease, Type 2 (Pompe Disease) and no experimental evidence demonstrating its impact on protein function have been reported. Four clinical diagnostic laboratories have submitted clinical-significance assessments for this variant to ClinVar after 2014 without evidence for independent evaluation. All laboratories classified the variant as benign/likely benign. Based on the evidence outlined above, the variant was classified as benign.

GeneDx
Classification: Likely benign. Last evaluated: 2020-07-13. Review status: criteria provided, single submitter. Criteria: GeneDx Variant Classification Process June 2021. Collection method: clinical testing. Allele origin: germline. Affected: yes.

Center for Advanced Laboratory Medicine, UC San Diego Health, University of California San Diego
Classification: Benign for Dilated cardiomyopathy. Last evaluated: 2018-01-05. Review status: criteria provided, single submitter. Criteria: ACMG Guidelines, 2015. Collection method: clinical testing. Allele origin: germline. Affected: yes. Observed: 1 variant allele.

Eurofins Ntd Llc (ga)
Classification: Likely benign. Last evaluated: 2015-10-07. Review status: criteria provided, single submitter. Criteria: EGL Classification Definitions 2015. Collection method: clinical testing. Allele origin: germline. Observed: 1 variant allele, 1 heterozygote.

PreventionGenetics, part of Exact Sciences
Classification: Benign for GAA-related condition. Last evaluated: 2024-07-11. Review status: no assertion criteria provided. Collection method: clinical testing. Allele origin: germline. Not counted in ClinVar's aggregate classification.
Comment: This variant is classified as benign based on ACMG/AMP sequence variant interpretation guidelines (Richards et al. 2015 PMID: 25741868, with internal and published modifications).

Literature cited by the submitters: PubMed 39161458 (cited by Genomenon, Inc and Mayo Clinic Laboratories, Mayo Clinic).

NM_000152.5(GAA):c.368G>A (p.Gly123Glu)

Gene: GAA (alpha glucosidase; plus strand). Cytogenetic location: 17q25.3.
Variant type: single nucleotide variant.
Coding change: c.368G>A on transcript NM_000152.5 (MANE Select); coding-DNA position 368, G replaced by A.
Protein change: p.Gly123Glu; replaces glycine 123 with glutamic acid.
Molecular consequence: missense variant.
Genome position (GRCh38, 1-based): chr17:80,104,954, G>A. VCF-style: chr17-80104954-G-A. GRCh37 (hg19) VCF-style: chr17-78078753-G-A.
Other names: p.Gly123Glu; c.368G>A (LRG_673t1); c.368G>A, p.Gly123Glu (NM_001079803.3, NM_001079804.3); short protein forms G123E.
Identifiers: ClinVar variation 283495 (VCV000283495.23), dbSNP rs138034915, ClinGen allele CA8814859.